The following is an entry in ClinVar:

ClinVar aggregate classification (germline): Pathogenic/Likely pathogenic. Review status: criteria provided, multiple submitters, no conflicts (2 of 4 stars). 2 submissions from 2 submitters: Pathogenic (1); Likely pathogenic (1). Last evaluated 2024-11-19.

Conditions:
3-hydroxyisobutyryl-CoA hydrolase deficiency. Also called: Reduced circulating 3-hydroxyisobutyryl-CoA hydrolase activity; Deficiency of 3-hydroxyisobutyryl CoA hydrolase; HIBCH DEFICIENCY; METHACRYLIC ACID TOXICITY; METHACRYLIC ACIDURIA; VALINE METABOLIC DEFECT. Identifiers: Orphanet 88639, MedGen C0342738, MONDO:0009603, OMIM 250620, HP:6000215.
HIBCH-related disorder. Also called: HIBCH-related condition.

Submissions (2):

PreventionGenetics, part of Exact Sciences
Classification: Likely pathogenic for HIBCH-related condition. Last evaluated: 2024-11-19. Review status: criteria provided, single submitter. Criteria: ACMG Guidelines, 2015. Collection method: clinical testing. Allele origin: germline.
Comment: The HIBCH c.609delA variant is predicted to result in a frameshift and premature protein termination (p.Gly204Glufs*14). To our knowledge, this variant has not been reported in the literature. This variant is reported in 0.00088% of alleles in individuals of European (Non-Finnish) descent in gnomAD. Frameshift variants in HIBCH are expected to be pathogenic. This variant is interpreted as likely pathogenic.

Labcorp Genetics (formerly Invitae), Labcorp
Classification: Pathogenic for 3-hydroxyisobutyryl-CoA hydrolase deficiency. Last evaluated: 2024-11-11. Review status: criteria provided, single submitter. Criteria: Invitae Variant Classification Sherloc (09022015). Collection method: clinical testing. Allele origin: germline.
Comment: This sequence change creates a premature translational stop signal (p.Gly204Glufs*14) in the HIBCH gene. It is expected to result in an absent or disrupted protein product. Loss-of-function variants in HIBCH are known to be pathogenic (PMID: 17160907, 26163321). This variant is present in population databases (rs776592661, gnomAD 0.0009%). This variant has not been reported in the literature in individuals affected with HIBCH-related conditions. ClinVar contains an entry for this variant (Variation ID: 654855). For these reasons, this variant has been classified as Pathogenic.

Literature cited by the submitters: PubMed 17160907 (cited by Labcorp Genetics (formerly Invitae), Labcorp); PubMed 26163321 (cited by Labcorp Genetics (formerly Invitae), Labcorp).

NM_014362.4(HIBCH):c.609del (p.Gly204fs)

Gene: HIBCH (3-hydroxyisobutyryl-CoA hydrolase; minus strand). Cytogenetic location: 2q32.2.
Variant type: Deletion.
Coding change: c.609del on transcript NM_014362.4 (MANE Select); coding-DNA position 609, one base deleted (A; older notation c.609delA).
Protein change: p.Gly204fs; shifts the reading frame from glycine 204.
Molecular consequence: frameshift variant.
Genome position (GRCh38, 1-based): chr2:190,252,216, T deleted on the plus strand (A on the coding strand, the reverse complement: HIBCH is on the minus strand); the first of 4 consecutive T bases (chr2:190,252,216-190,252,219); deleting any one gives the same sequence. VCF-style (leftmost placement, unchanged base first): chr2-190252215-CT-C. GRCh37 (hg19) VCF-style: chr2-191116941-CT-C.
Other names: c.609delA (NM_014362.3); c.609del, p.Gly204fs (NM_198047.3); short protein forms G204fs.
Identifiers: ClinVar variation 654855 (VCV000654855.8), dbSNP rs776592661, ClinGen allele CA2027575.